The following is an entry in ClinVar:

ClinVar aggregate classification (germline): Likely benign (1 of 4 stars; one submission).

gnomAD v4.1: 12 of 1,613,840 alleles (0.00074%); highest among the groups gnomAD compares: Middle Eastern, 0.017%; no homozygotes.

Submission:

CeGaT Center for Human Genetics Tuebingen
Classification: Likely benign. Last evaluated: 2026-04-01. Review status: criteria provided, single submitter. Criteria: CeGaT Center For Human Genetics Tuebingen Variant Classification Criteria Version 2. Collection method: clinical testing. Allele origin: germline. Affected: yes. Observed: 1 variant allele.
Comment: ATG7: BP4, BP7

NM_001349232.2(ATG7):c.15G>A (p.Thr5=)

Gene: ATG7 (autophagy related 7; plus strand). Cytogenetic location: 3p25.3.
Variant type: single nucleotide variant.
Coding change: c.15G>A on transcript NM_001349232.2 (MANE Select); coding-DNA position 15, G replaced by A.
Protein change: p.Thr5=; no amino-acid change (threonine 5 retained).
Molecular consequence: synonymous variant. On other transcripts: 5 prime UTR variant (1).
Genome position (GRCh38, 1-based): chr3:11,298,710, G>A. VCF-style: chr3-11298710-G-A. GRCh37 (hg19) VCF-style: chr3-11340184-G-A.
Other names: c.15G>A, p.Thr5= (NM_001349237.2, NM_006395.3, NM_001136031.3 and 5 more transcripts); c.-797G>A (NM_001349238.2).
Identifiers: ClinVar variation 4872088 (VCV004872088.2).